The following is an entry in ClinVar:

ClinVar aggregate classification (germline): Uncertain significance (1 of 4 stars; one submission).

Conditions:
Hereditary cancer-predisposing syndrome. Also called: Tumor predisposition; Neoplastic Syndromes, Hereditary; Hereditary neoplastic syndrome; Hereditary Cancer Syndrome. Identifiers: Orphanet 140162, MedGen C0027672, MeSH D009386, MONDO:0015356.

Submission:

Ambry Genetics
Classification: Uncertain significance for Hereditary cancer-predisposing syndrome. Last evaluated: 2024-11-07. Review status: criteria provided, single submitter. Criteria: Ambry Variant Classification Scheme 2023. Collection method: clinical testing. Allele origin: germline.
Comment: The p.L545M variant (also known as c.1633C>A), located in coding exon 15 of the TSC2 gene, results from a C to A substitution at nucleotide position 1633. The leucine at codon 545 is replaced by methionine, an amino acid with highly similar properties. This amino acid position is conserved. In addition, the in silico prediction for this alteration is inconclusive. Based on the available evidence, the clinical significance of this variant remains unclear.

NM_000548.5(TSC2):c.1633C>A (p.Leu545Met)

Gene: TSC2 (TSC complex subunit 2; plus strand). Cytogenetic location: 16p13.3.
Variant type: single nucleotide variant.
Coding change: c.1633C>A on transcript NM_000548.5 (MANE Select); coding-DNA position 1633, C replaced by A.
Protein change: p.Leu545Met; replaces leucine 545 with methionine.
Molecular consequence: missense variant. On other transcripts: non-coding transcript variant (5).
Genome position (GRCh38, 1-based): chr16:2,065,552, C>A. VCF-style: chr16-2065552-C-A. GRCh37 (hg19) VCF-style: chr16-2115553-C-A.
Other names: c.1633C>A, p.Leu545Met (NM_001077183.3, NM_001114382.3, NM_001363528.2 and 6 more transcripts); c.1522C>A, p.Leu508Met (NM_001318827.2, NM_001406670.1, NM_001406678.1); c.1486C>A, p.Leu496Met (NM_001318829.2, NM_001406675.1, NM_001406676.1 and 1 more transcripts); c.1033C>A, p.Leu345Met (NM_001318831.2, NM_001406680.1, NM_001406682.1 and 6 more transcripts); c.1666C>A, p.Leu556Met (NM_001318832.2); c.1723C>A, p.Leu575Met (NM_001406667.1, NM_001406668.1); c.1621C>A, p.Leu541Met (NM_001406671.1, NM_001406673.1); c.1576C>A, p.Leu526Met (NM_001406677.1); and 3 more; short protein forms L526M, L556M, L391M, L97M, L345M, L496M, L545M, L11M.
Identifiers: ClinVar variation 3462666 (VCV003462666.1).